The following is an entry in ClinVar:

ClinVar aggregate classification (germline): Uncertain significance (1 of 4 stars; one submission).

Conditions:
Malignant hyperthermia, susceptibility to, 1 (MHS1). Also called: Anesthesia related hyperthermia; Malignant hyperpyrexia; Fulminating hyperpyrexia; Pharmacogenic myopathy; RYR1-Related Malignant Hyperthermia Susceptibility; Malignant hyperthermia suceptibility 1. Identifiers: Orphanet 423, MedGen C2930980, MONDO:0007783, OMIM 145600.

Submission:

All of Us Research Program, National Institutes of Health
Classification: Uncertain significance for Malignant hyperthermia, susceptibility to, 1. Last evaluated: 2023-08-15. Review status: criteria provided, single submitter. Criteria: ACMG Guidelines, 2015. Collection method: clinical testing. Allele origin: germline. Inheritance: Autosomal dominant inheritance. Observed: 1 variant allele, 1 heterozygote.
Comment: This missense variant replaces aspartic acid with glycine at codon 302 of the RYR1 protein. Computational prediction suggests that this variant may have deleterious impact on protein structure and function (internally defined REVEL score threshold >= 0.7, PMID: 27666373). To our knowledge, functional studies have not been reported for this variant. This variant has not been reported in individuals affected with RYR1-related disorders in the literature. This variant has not been identified in the general population by the Genome Aggregation Database (gnomAD). The available evidence is insufficient to determine the role of this variant in disease conclusively. Therefore, this variant is classified as a Variant of Uncertain Significance.

This study involves interpretation of variants in research participants for the purpose of population health screening. Participant phenotype was not available at the time of variant classification. Additional details can be found in publication PMID: 35346344, PMCID: PMC8962531

NM_000540.3(RYR1):c.905A>G (p.Asp302Gly)

Gene: RYR1 (ryanodine receptor 1; plus strand). Cytogenetic location: 19q13.2.
Variant type: single nucleotide variant.
Coding change: c.905A>G on transcript NM_000540.3 (MANE Select); coding-DNA position 905, A replaced by G.
Protein change: p.Asp302Gly; replaces aspartic acid 302 with glycine.
Molecular consequence: missense variant.
Genome position (GRCh38, 1-based): chr19:38,448,459, A>G. VCF-style: chr19-38448459-A-G. GRCh37 (hg19) VCF-style: chr19-38939099-A-G.
Other names: c.905A>G, p.Asp302Gly (NM_001042723.2); short protein forms D302G.
Identifiers: ClinVar variation 3072967 (VCV003072967.1), dbSNP rs1966903034, ClinGen allele CA405682059.